The following is an entry in ClinVar:

ClinVar aggregate classification (germline): Benign/Likely benign. Review status: criteria provided, multiple submitters, no conflicts (2 of 4 stars). 4 submissions from 4 submitters: Benign (3); Likely benign (1). Last evaluated 2025-12-17.

Allele frequency attached by ClinVar (database versions not stated): gnomAD exomes 0.00108; ExAC 0.00126; 1000 Genomes Project 0.00419; gnomAD 0.00430 and 0.00468; 1000 Genomes Project 30x 0.00437; TOPMed 0.00490; ESP Exome Variant Server 0.00507.
gnomAD v4.1: 1,229 of 1,613,772 alleles (0.076%); highest among the groups gnomAD compares: African/African-American, 1.4%; 10 homozygotes.

Submissions (4):

Labcorp Genetics (formerly Invitae), Labcorp
Classification: Benign. Last evaluated: 2025-12-17. Review status: criteria provided, single submitter. Criteria: Invitae Variant Classification Sherloc (09022015). Collection method: clinical testing. Allele origin: germline.

Blueprint Genetics
Classification: Likely benign. Last evaluated: 2024-11-13. Review status: criteria provided, single submitter. Criteria: ACMG Guidelines, 2015. Collection method: clinical testing. Allele origin: germline.

GeneDx
Classification: Benign. Last evaluated: 2018-10-12. Review status: criteria provided, single submitter. Criteria: GeneDx Variant Classification Process June 2021. Collection method: clinical testing. Allele origin: germline. Affected: yes.

Laboratory for Molecular Medicine, Mass General Brigham Personalized Medicine
Classification: Benign. Last evaluated: 2014-11-24. Review status: criteria provided, single submitter. Criteria: LMM Criteria. Collection method: clinical testing. Allele origin: germline. Observed: 3 variant alleles.
Comment: Ser593Ser in exon 11 of TSPEAR: This variant is not expected to have clinical si gnificance because it does not alter an amino acid residue and is not located wi thin the splice consensus sequence. It has been identified in 1.5% (66/4406) of African American chromosomes from a broad population by the NHLBI Exome Sequenci ng Project (dbSNP rs138358770).

NM_144991.3(TSPEAR):c.1779G>A (p.Ser593=)

Gene: TSPEAR (thrombospondin type laminin G domain and EAR repeats; minus strand). Cytogenetic location: 21q22.3.
Variant type: single nucleotide variant.
Coding change: c.1779G>A on transcript NM_144991.3 (MANE Select); coding-DNA position 1779, G replaced by A.
Protein change: p.Ser593=; no amino-acid change (serine 593 retained).
Molecular consequence: synonymous variant.
Genome position (GRCh38, 1-based): chr21:44,504,857, C>T on the plus strand (G>A on the coding strand, the complement: TSPEAR is on the minus strand). VCF-style: chr21-44504857-C-T. GRCh37 (hg19) VCF-style: chr21-45924740-C-T.
Other names: c.1575G>A, p.Ser525= (NM_001272037.2).
Identifiers: ClinVar variation 227133 (VCV000227133.17), dbSNP rs138358770, ClinGen allele CA10056330.
Genomic context (GRCh38, chr21:44,504,857, plus strand): 5'-CACCGAGAAGGTACGCCCATCGAAGGAGTTGGCCACCACCAGGAAATAATCTTCTCCCAC[C>T]GAGAAAAACTCCCAGTCCAGAGCACTGCAGGAACAAGTGGGTGGATATTAGGACACAACA-3'
Protein context (NP_659428.2, residues 583-603): TCSALDWEFF[Ser593=]VGEDYFLVVA